The following is an entry in ClinVar:

NM_000090.4(COL3A1):c.209A>G (p.Gln70Arg)

Gene: COL3A1 (collagen type III alpha 1 chain; plus strand). Cytogenetic location: 2q32.2.
Variant type: single nucleotide variant.
Coding change: c.209A>G on transcript NM_000090.4 (MANE Select); coding-DNA position 209, A replaced by G.
Protein change: p.Gln70Arg; replaces glutamine 70 with arginine.
Molecular consequence: missense variant.
Genome position (GRCh38, 1-based): chr2:188,984,889, A>G. VCF-style: chr2-188984889-A-G. GRCh37 (hg19) VCF-style: chr2-189849615-A-G.
Other names: short protein forms Q70R.
Identifiers: ClinVar variation 1171764 (VCV001171764.3), dbSNP rs2153501359, ClinGen allele CA349847216.

ClinVar aggregate classification (germline): Uncertain significance (1 of 4 stars; one submission).

Conditions:
Familial thoracic aortic aneurysm and aortic dissection (TAAD). Also called: Thoracic aortic aneurysms and dissections. Identifiers: Orphanet 91387, MedGen C4707243, MONDO:0019625.

Submission:

Color Diagnostics, LLC DBA Color Health
Classification: Uncertain significance for Familial thoracic aortic aneurysm and aortic dissection. Last evaluated: 2024-03-06. Review status: criteria provided, single submitter. Criteria: ACMG Guidelines, 2015. Collection method: clinical testing. Allele origin: germline.
Comment: This missense variant replaces glutamine with arginine at codon 70 of the COL3A1 protein. Computational prediction suggests that this variant may not impact protein structure and function (internally defined REVEL score threshold <= 0.5, PMID: 27666373). To our knowledge, functional studies have not been reported for this variant. This variant has not been reported in individuals affected with cardiovascular disorders in the literature. This variant has not been identified in the general population by the Genome Aggregation Database (gnomAD). The available evidence is insufficient to determine the role of this variant in disease conclusively. Therefore, this variant is classified as a Variant of Uncertain Significance.